The following is an entry in ClinVar:

NM_004523.4(KIF11):c.443C>G (p.Thr148Ser)

Gene: KIF11 (kinesin family member 11; plus strand). Cytogenetic location: 10q23.33.
Variant type: single nucleotide variant.
Coding change: c.443C>G on transcript NM_004523.4 (MANE Select); coding-DNA position 443, C replaced by G.
Protein change: p.Thr148Ser; replaces threonine 148 with serine.
Molecular consequence: missense variant.
Genome position (GRCh38, 1-based): chr10:92,609,075, C>G. VCF-style: chr10-92609075-C-G. GRCh37 (hg19) VCF-style: chr10-94368832-C-G.
Other names: short protein forms T148S.
Identifiers: ClinVar variation 2779565 (VCV002779565.3), dbSNP rs1189893041, ClinGen allele CA377589342.
Genomic context (GRCh38, chr10:92,609,075, plus strand): 5'-TTCAGGATCCCTTGGCTGGTATAATTCCACGTACCCTTCATCAAATTTTTGAGAAACTTA[C>G]TGATAATGGTACTGAATTTTCAGTCAAAGTGTCTCTGTTGGAGATCTATAATGAAGAGCT-3'
Protein context (NP_004514.2, residues 138-158): RTLHQIFEKL[Thr148Ser]DNGTEFSVKV

ClinVar aggregate classification (germline): Uncertain significance (1 of 4 stars; one submission).

Allele frequency attached by ClinVar (database versions not stated): TOPMed 0.00001; gnomAD 0.00002.
gnomAD v4.1: 20 of 1,597,902 alleles (0.0013%); highest among the groups gnomAD compares: Non-Finnish European, 0.0016%; no homozygotes.

Submission:

Labcorp Genetics (formerly Invitae), Labcorp
Classification: Uncertain significance. Last evaluated: 2023-11-02. Review status: criteria provided, single submitter. Criteria: Invitae Variant Classification Sherloc (09022015). Collection method: clinical testing. Allele origin: germline.
Comment: This sequence change replaces threonine, which is neutral and polar, with serine, which is neutral and polar, at codon 148 of the KIF11 protein (p.Thr148Ser). This variant is present in population databases (no rsID available, gnomAD 0.007%). This variant has not been reported in the literature in individuals affected with KIF11-related conditions. Advanced modeling of protein sequence and biophysical properties (such as structural, functional, and spatial information, amino acid conservation, physicochemical variation, residue mobility, and thermodynamic stability) performed at Invitae indicates that this missense variant is not expected to disrupt KIF11 protein function with a negative predictive value of 80%. In summary, the available evidence is currently insufficient to determine the role of this variant in disease. Therefore, it has been classified as a Variant of Uncertain Significance.